The following is an entry in ClinVar:

ClinVar aggregate classification (germline): Uncertain significance. Review status: criteria provided, multiple submitters, no conflicts (2 of 4 stars). 3 submissions from 3 submitters: Uncertain significance (3). Last evaluated 2025-02-09.

Conditions:
PCNT-related disorder. Also called: PCNT-related condition.
Inborn genetic diseases. Identifiers: MedGen C0950123, MeSH D030342.

Allele frequency attached by ClinVar (database versions not stated): ExAC 0.00001; gnomAD exomes 0.00001; TOPMed 0.00001.
gnomAD v4.1: 9 of 1,613,590 alleles (0.00056%); highest among the groups gnomAD compares: Non-Finnish European, 0.00076%; no homozygotes.

Submissions (3):

PreventionGenetics, part of Exact Sciences
Classification: Uncertain significance for PCNT-related condition. Last evaluated: 2025-02-09. Review status: criteria provided, single submitter. Criteria: ACMG Guidelines, 2015. Collection method: clinical testing. Allele origin: germline.
Comment: The PCNT c.5330G>C variant is predicted to result in the amino acid substitution p.Cys1777Ser. To our knowledge, this variant has not been reported in the literature. This variant is reported in 0.00089% of alleles in individuals of European (Non-Finnish) descent in gnomAD. At this time, the clinical significance of this variant is uncertain due to the absence of conclusive functional and genetic evidence.

Ambry Genetics
Classification: Uncertain significance for Inborn genetic diseases. Last evaluated: 2025-01-22. Review status: criteria provided, single submitter. Criteria: Ambry Variant Classification Scheme 2023. Collection method: clinical testing. Allele origin: germline.

Labcorp Genetics (formerly Invitae), Labcorp
Classification: Uncertain significance. Last evaluated: 2022-05-20. Review status: criteria provided, single submitter. Criteria: Invitae Variant Classification Sherloc (09022015). Collection method: clinical testing. Allele origin: germline.
Comment: This sequence change replaces cysteine, which is neutral and slightly polar, with serine, which is neutral and polar, at codon 1777 of the PCNT protein (p.Cys1777Ser). This variant is present in population databases (rs770262136, gnomAD 0.0009%). This variant has not been reported in the literature in individuals affected with PCNT-related conditions. Algorithms developed to predict the effect of missense changes on protein structure and function are either unavailable or do not agree on the potential impact of this missense change (SIFT: "Tolerated"; PolyPhen-2: "Possibly Damaging"; Align-GVGD: "Class C0"). In summary, the available evidence is currently insufficient to determine the role of this variant in disease. Therefore, it has been classified as a Variant of Uncertain Significance.

NM_006031.6(PCNT):c.5330G>C (p.Cys1777Ser)

Gene: PCNT (pericentrin; plus strand). Cytogenetic location: 21q22.3.
Variant type: single nucleotide variant.
Coding change: c.5330G>C on transcript NM_006031.6 (MANE Select); coding-DNA position 5330, G replaced by C.
Protein change: p.Cys1777Ser; replaces cysteine 1777 with serine.
Molecular consequence: missense variant.
Genome position (GRCh38, 1-based): chr21:46,411,403, G>C. VCF-style: chr21-46411403-G-C. GRCh37 (hg19) VCF-style: chr21-47831317-G-C.
Other names: c.5330G>C (NM_006031.5); c.4976G>C, p.Cys1659Ser (NM_001315529.2); short protein forms C1777S, C1659S.
Identifiers: ClinVar variation 1982635 (VCV001982635.3), dbSNP rs770262136, ClinGen allele CA10079948.